The following is an entry in ClinVar:

ClinVar aggregate classification (germline): Uncertain significance (1 of 4 stars; one submission).

Submission:

Ambry Genetics
Classification: Uncertain significance. Last evaluated: 2023-10-08. Review status: criteria provided, single submitter. Criteria: Ambry Variant Classification Scheme 2023. Collection method: clinical testing. Allele origin: germline.
Comment: The c.87_89delGGAinsCGT variant (also known as p.E30V), located in coding exon 2 of the RECQL gene, results from an in-frame deletion of GGA and insertion of CGT at nucleotide positions 87 to 89. This results in the substitution of the glutamic acid residue for a valine residue at codon 30, an amino acid with dissimilar properties. This amino acid position is well conserved in available vertebrate species. The evidence for this gene-disease relationship is limited; therefore, the clinical significance of this alteration is unclear.

NM_002907.4(RECQL):c.87_89delinsCGT (p.Glu30Val)

Gene: RECQL (RecQ like helicase; minus strand). Cytogenetic location: 12p12.1.
Variant type: Indel.
Coding change: c.87_89delinsCGT on transcript NM_002907.4 (MANE Select); coding-DNA positions 87 to 89, GGA replaced by CGT.
Protein change: p.Glu30Val; replaces glutamic acid 30 with valine.
Molecular consequence: missense variant.
Genome position (GRCh38, 1-based): chr12:21,491,644-21,491,646, TCC replaced by ACG on the plus strand (GGA replaced by CGT on the coding strand, the reverse complement: RECQL is on the minus strand). VCF-style: chr12-21491644-TCC-ACG. GRCh37 (hg19) VCF-style: chr12-21644578-TCC-ACG.
Other names: c.87_89delinsCGT, p.Glu30Val (NM_032941.3); short protein forms E30V.
Identifiers: ClinVar variation 3222992 (VCV003222992.1), dbSNP rs2540405473, ClinGen allele CA2825002073.